The following is an entry in ClinVar:

NM_001184.4(ATR):c.835C>T (p.His279Tyr)

Gene: ATR (ATR checkpoint kinase; minus strand). Cytogenetic location: 3q23.
Variant type: single nucleotide variant.
Coding change: c.835C>T on transcript NM_001184.4 (MANE Select); coding-DNA position 835, C replaced by T.
Protein change: p.His279Tyr; replaces histidine 279 with tyrosine.
Molecular consequence: missense variant.
Genome position (GRCh38, 1-based): chr3:142,562,567, G>A on the plus strand (C>T on the coding strand, the complement: ATR is on the minus strand). VCF-style: chr3-142562567-G-A. GRCh37 (hg19) VCF-style: chr3-142281409-G-A.
Other names: c.835C>T, p.His279Tyr (NM_001354579.2); short protein forms H279Y.
Identifiers: ClinVar variation 2496598 (VCV002496598.5), dbSNP rs1238414080, ClinGen allele CA354825328.
Genomic context (GRCh38, chr3:142,562,567, plus strand): 5'-TCAGCTTTGATAATGGCTCTTCATAGAGTTTCAATTGGTCAGTATCCATTTCTACAAGGT[G>A]TTTTAATAATTCCAAAAATGAGCTGAAAAAAGTGCTAGCTGGTTGTGCTGGTAGTCCTCC-3'
Protein context (NP_001175.2, residues 269-289): FFSSFLELLK[His279Tyr]LVEMDTDQLK

ClinVar aggregate classification (germline): Uncertain significance. Review status: criteria provided, multiple submitters, no conflicts (2 of 4 stars). 2 submissions from 2 submitters: Uncertain significance (2). Last evaluated 2023-11-07.

Conditions:
Inborn genetic diseases. Identifiers: MedGen C0950123, MeSH D030342.

Allele frequency attached by ClinVar (database versions not stated): gnomAD 0.00001; gnomAD exomes 0.00001; TOPMed 0.00001.
gnomAD v4.1: 4 of 1,613,820 alleles (0.00025%); highest among the groups gnomAD compares: African/African-American, 0.0013%; no homozygotes.

Submissions (2):

Labcorp Genetics (formerly Invitae), Labcorp
Classification: Uncertain significance. Last evaluated: 2023-11-07. Review status: criteria provided, single submitter. Criteria: Invitae Variant Classification Sherloc (09022015). Collection method: clinical testing. Allele origin: germline.
Comment: This sequence change replaces histidine, which is basic and polar, with tyrosine, which is neutral and polar, at codon 279 of the ATR protein (p.His279Tyr). This variant is present in population databases (no rsID available, gnomAD 0.004%). This variant has not been reported in the literature in individuals affected with ATR-related conditions. ClinVar contains an entry for this variant (Variation ID: 2496598). An algorithm developed to predict the effect of missense changes on protein structure and function (PolyPhen-2) suggests that this variant is likely to be tolerated. In summary, the available evidence is currently insufficient to determine the role of this variant in disease. Therefore, it has been classified as a Variant of Uncertain Significance.

Ambry Genetics
Classification: Uncertain significance for Inborn genetic diseases. Last evaluated: 2023-02-28. Review status: criteria provided, single submitter. Criteria: Ambry Variant Classification Scheme 2023. Collection method: clinical testing. Allele origin: germline.
Comment: The p.H279Y variant (also known as c.835C>T), located in coding exon 4 of the ATR gene, results from a C to T substitution at nucleotide position 835. The histidine at codon 279 is replaced by tyrosine, an amino acid with similar properties. This amino acid position is conserved. In addition, this alteration is predicted to be tolerated by in silico analysis. Since supporting evidence is limited at this time, the clinical significance of this alteration remains unclear.